The following is an entry in ClinVar:

ClinVar aggregate classification (germline): Pathogenic. Review status: criteria provided, multiple submitters, no conflicts (2 of 4 stars). 4 submissions from 4 submitters: Pathogenic (3). 1 of the submissions does not count toward it. Last evaluated 2025-06-17.

Conditions:
Polyglandular autoimmune syndrome, type 1 (APS1). Also called: Autoimmune polyendocrine syndrome type 1; Autoimmune polyendocrinopathy syndrome , type I, with or without reversible metaphyseal dysplasia; HYPOADRENOCORTICISM WITH HYPOPARATHYROIDISM AND SUPERFICIAL MONILIASIS; PGA I; AUTOIMMUNE POLYENDOCRINE SYNDROME, TYPE I, WITH OR WITHOUT REVERSIBLE METAPHYSEAL DYSPLASIA; APS I. Identifiers: Orphanet 3453, MedGen C0085859, MONDO:0009411, OMIM 240300.

Allele frequency attached by ClinVar (database versions not stated): gnomAD exomes below 0.00001; ExAC 0.00001; gnomAD 0.00001.
gnomAD v4.1: 2 of 1,612,132 alleles (0.00012%); highest among the groups gnomAD compares: Non-Finnish European, 0.00017%; no homozygotes.

Submissions (4):

Massaad Lab, American University of Beirut
Classification: Pathogenic for Polyglandular autoimmune syndrome, type 1. Last evaluated: 2025-06-17. Review status: criteria provided, single submitter. Criteria: ACMG Guidelines, 2015. Collection method: research. Allele origin: germline. Inheritance: Autosomal recessive inheritance. Affected: yes. Observed: 2 homozygotes.
Comment: NM_000383.4(AIRE):c.1096-1G>A disrupts the canonical splice acceptor site of intron 9 and is predicted to disrupt mRNA splicing, resulting in an absent or disrupted protein. Loss of function is an established mechanism of disease for AIRE in autosomal recessive APS-1/APECED. This variant is rare in population databases (gnomAD 0.0009%) and has been previously reported in individuals with APS-1/APECED (PMID: 9888391, 26114819). It was identified here in additional affected individuals with a highly specific APS-1 phenotype. This variant is classified as Pathogenic.

Women's Health and Genetics/Laboratory Corporation of America, LabCorp
Classification: Pathogenic for Polyglandular autoimmune syndrome, type 1. Last evaluated: 2024-11-19. Review status: criteria provided, single submitter. Criteria: LabCorp Variant Classification Summary - May 2015. Collection method: clinical testing. Allele origin: germline.
Comment: Variant summary: AIRE c.1096-1G>A is located in a canonical splice-site and is predicted to affect mRNA splicing resulting in a significantly altered protein due to either exon skipping, shortening, or inclusion of intronic material. Variants that disrupt the consensus splice site are a relatively common cause of aberrant splicing and loss of AIRE function. Several computational tools predict a significant impact on normal splicing: Four predict the variant abolishes a canonical 3' acceptor site. However, these predictions have yet to be confirmed by functional studies. The variant allele was found at a frequency of 4e-06 in 247696 control chromosomes. c.1096-1G>A has been reported in the literature in individuals affected with Autoimmune Polyglandular Syndrome Type 1 (example: Meisel_2021). These data indicate that the variant is likely to be associated with disease. The following publication has been ascertained in the context of this evaluation (PMID: 34061776). ClinVar contains an entry for this variant (Variation ID: 551625). Based on the evidence outlined above, the variant was classified as pathogenic.

Labcorp Genetics (formerly Invitae), Labcorp
Classification: Pathogenic for Polyglandular autoimmune syndrome, type 1. Last evaluated: 2023-09-24. Review status: criteria provided, single submitter. Criteria: Invitae Variant Classification Sherloc (09022015). Collection method: clinical testing. Allele origin: germline.
Comment: For these reasons, this variant has been classified as Pathogenic. Algorithms developed to predict the effect of sequence changes on RNA splicing suggest that this variant may disrupt the consensus splice site. ClinVar contains an entry for this variant (Variation ID: 551625). This variant is also known as IVS9-1G>A. Disruption of this splice site has been observed in individual(s) with autosomal recessive autoimmune polyendocrinopathy syndrome (PMID: 9888391, 26114819). In at least one individual the data is consistent with being in trans (on the opposite chromosome) from a pathogenic variant. This variant is present in population databases (rs780906602, gnomAD 0.0009%). This sequence change affects an acceptor splice site in intron 9 of the AIRE gene. It is expected to disrupt RNA splicing. Variants that disrupt the donor or acceptor splice site typically lead to a loss of protein function (PMID: 16199547), and loss-of-function variants in AIRE are known to be pathogenic (PMID: 11524731, 26141571).

Counsyl
Classification: Pathogenic for Polyglandular autoimmune syndrome, type 1. Last evaluated: 2017-04-21. Review status: no assertion criteria provided. Collection method: clinical testing. Allele origin: unknown. Not counted in ClinVar's aggregate classification.

Literature cited by the submitters: PubMed 9888391 (cited by 4 submitters); PubMed 26114819 (cited by 3 submitters); PubMed 34061776 (cited by Women's Health and Genetics/Laboratory Corporation of America, LabCorp); PubMed 16199547 (cited by Labcorp Genetics (formerly Invitae), Labcorp); PubMed 11524731 (cited by Labcorp Genetics (formerly Invitae), Labcorp); PubMed 26141571 (cited by Labcorp Genetics (formerly Invitae), Labcorp).

NM_000383.4(AIRE):c.1096-1G>A

Gene: AIRE (autoimmune regulator; plus strand). Cytogenetic location: 21q22.3.
Variant type: single nucleotide variant.
Coding change: c.1096-1G>A on transcript NM_000383.4 (MANE Select); the canonical splice acceptor site of the intron before coding-DNA position 1096, G replaced by A.
Molecular consequence: splice acceptor variant.
Genome position (GRCh38, 1-based): chr21:44,292,992, G>A. VCF-style: chr21-44292992-G-A. GRCh37 (hg19) VCF-style: chr21-45712875-G-A.
Identifiers: ClinVar variation 551625 (VCV000551625.8), dbSNP rs780906602, ClinGen allele CA10051943.